The following is an entry in ClinVar:

ClinVar aggregate classification (germline): Benign/Likely benign. Review status: criteria provided, multiple submitters, no conflicts (2 of 4 stars). 2 submissions from 2 submitters: Benign (1); Likely benign (1). Last evaluated 2025-11-24.

Conditions:
Familial cancer of breast. Also called: Hereditary breast cancer; BREAST CANCER, FAMILIAL; hereditary breast carcinoma. Identifiers: Orphanet 227535, MedGen C0346153, MONDO:0016419, OMIM 114480. Disease mechanism: loss of function.
Ataxia-telangiectasia syndrome (AT). Also called: Ataxia-telangiectasia, complementation group D; AT, COMPLEMENTATION GROUP C; ATAXIA-TELANGIECTASIA, COMPLEMENTATION GROUP A; ATAXIA-TELANGIECTASIA, FRESNO VARIANT; Ataxia-telangiectasia; LOUIS-BAR SYNDROME. Identifiers: Orphanet 100, MedGen C0004135, MONDO:0008840, OMIM 208900.

Submissions (2):

Labcorp Genetics (formerly Invitae), Labcorp
Classification: Likely benign for Ataxia-telangiectasia syndrome. Last evaluated: 2025-11-24. Review status: criteria provided, single submitter. Criteria: Invitae Variant Classification Sherloc (09022015). Collection method: clinical testing. Allele origin: germline.

Myriad Genetics, Inc.
Classification: Benign for Familial cancer of breast. Last evaluated: 2024-06-13. Review status: criteria provided, single submitter. Criteria: Myriad Autosomal Dominant, Autosomal Recessive and X-Linked Classification Criteria (2023). Collection method: clinical testing. Allele origin: unknown.
Comment: This variant is considered benign. This variant is a silent/synonymous amino acid change and it is not expected to impact splicing.

NM_000051.4(ATM):c.7081C>T (p.Leu2361=)

Genes: ATM (ATM serine/threonine kinase; plus strand), C11orf65 (chromosome 11 open reading frame 65; minus strand). Cytogenetic location: 11q22.3.
Variant type: single nucleotide variant.
Coding change: c.7081C>T on transcript NM_000051.4 (MANE Select); coding-DNA position 7081, C replaced by T.
Protein change: p.Leu2361=; no amino-acid change (leucine 2361 retained).
Molecular consequence: synonymous variant. On other transcripts: intron variant (2).
Genome position (GRCh38, 1-based): chr11:108,327,750, C>T. VCF-style: chr11-108327750-C-T. GRCh37 (hg19) VCF-style: chr11-108198477-C-T.
Other names: c.7081C>T, p.Leu2361= (NM_001351834.2); c.641-18679G>A (NM_001330368.2); c.*38+7470G>A (NM_001351110.2).
Identifiers: ClinVar variation 749429 (VCV000749429.11), dbSNP rs1412288141, ClinGen allele CA476676524.